The following is an entry in ClinVar:

ClinVar aggregate classification (germline): Uncertain significance (0 of 4 stars; one submission).

Conditions:
CNTNAP5-related disorder. Also called: CNTNAP5-related condition.

Submission:

PreventionGenetics, part of Exact Sciences
Classification: Uncertain significance for CNTNAP5-related condition. Last evaluated: 2024-08-21. Review status: no assertion criteria provided. Collection method: clinical testing. Allele origin: germline.
Comment: The CNTNAP5 c.607G>T variant is predicted to result in the amino acid substitution p.Asp203Tyr. To our knowledge, this variant has not been reported in the literature or in a large population database, indicating this variant is rare. At this time, the clinical significance of this variant is uncertain due to the absence of conclusive functional and genetic evidence.

NM_001367498.1(CNTNAP5):c.607G>T (p.Asp203Tyr)

Gene: CNTNAP5 (contactin associated protein family member 5; plus strand). Cytogenetic location: 2q14.3.
Variant type: single nucleotide variant.
Coding change: c.607G>T on transcript NM_001367498.1 (MANE Select); coding-DNA position 607, G replaced by T.
Protein change: p.Asp203Tyr; replaces aspartic acid 203 with tyrosine.
Molecular consequence: missense variant.
Genome position (GRCh38, 1-based): chr2:124,434,561, G>T. VCF-style: chr2-124434561-G-T. GRCh37 (hg19) VCF-style: chr2-125192138-G-T.
Other names: c.607G>T, p.Asp203Tyr (NM_130773.4); short protein forms D203Y.
Identifiers: ClinVar variation 3346964 (VCV003346964.1).